The following is an entry in ClinVar:

ClinVar aggregate classification (germline): Uncertain significance (1 of 4 stars; one submission).

Conditions:
Lymphoproliferative syndrome 2 (LPFS2). Also called: Combined immunodeficiency due to CD27 deficiency; CD27 DEFICIENCY. Identifiers: Orphanet 238505, MedGen C3554540, MONDO:0014054, OMIM 615122.

Allele frequency attached by ClinVar (database versions not stated): gnomAD exomes below 0.00001; TOPMed 0.00001.
gnomAD v4.1: 2 of 1,610,574 alleles (0.00012%); highest among the groups gnomAD compares: Non-Finnish European, 0.00017%; no homozygotes.

Submission:

Labcorp Genetics (formerly Invitae), Labcorp
Classification: Uncertain significance for Lymphoproliferative syndrome 2. Last evaluated: 2025-10-21. Review status: criteria provided, single submitter. Criteria: Invitae Variant Classification Sherloc (09022015). Collection method: clinical testing. Allele origin: germline.
Comment: This sequence change replaces alanine, which is neutral and non-polar, with threonine, which is neutral and polar, at codon 23 of the CD27 protein (p.Ala23Thr). This variant is not present in population databases (gnomAD no frequency). This variant has not been reported in the literature in individuals affected with CD27-related conditions. ClinVar contains an entry for this variant (Variation ID: 949703). Invitae Evidence Modeling of protein sequence and biophysical properties (such as structural, functional, and spatial information, amino acid conservation, physicochemical variation, residue mobility, and thermodynamic stability) indicates that this missense variant is not expected to disrupt CD27 protein function with a negative predictive value of 80%. In summary, the available evidence is currently insufficient to determine the role of this variant in disease. Therefore, it has been classified as a Variant of Uncertain Significance.

NM_001242.5(CD27):c.67G>A (p.Ala23Thr)

Genes: CD27 (CD27 molecule; plus strand), CD27-AS1 (CD27 antisense RNA 1; minus strand). Cytogenetic location: 12p13.31.
Variant type: single nucleotide variant.
Coding change: c.67G>A on transcript NM_001242.5 (MANE Select); coding-DNA position 67, G replaced by A.
Protein change: p.Ala23Thr; replaces alanine 23 with threonine.
Molecular consequence: missense variant.
Genome position (GRCh38, 1-based): chr12:6,445,162, G>A. VCF-style: chr12-6445162-G-A. GRCh37 (hg19) VCF-style: chr12-6554328-G-A.
Other names: short protein forms A23T.
Identifiers: ClinVar variation 949703 (VCV000949703.9), dbSNP rs975388482, ClinGen allele CA232315477.